The following is an entry in ClinVar:

NM_001267550.2(TTN):c.25637A>G (p.Gln8546Arg)

Gene: TTN (titin; minus strand). Cytogenetic location: 2q31.2.
Variant type: single nucleotide variant.
Coding change: c.25637A>G on transcript NM_001267550.2 (MANE Select); coding-DNA position 25637, A replaced by G.
Protein change: p.Gln8546Arg; replaces glutamine 8546 with arginine.
Molecular consequence: missense variant. On other transcripts: intron variant (3).
Genome position (GRCh38, 1-based): chr2:178,717,097, T>C on the plus strand (A>G on the coding strand, the complement: TTN is on the minus strand). VCF-style: chr2-178717097-T-C. GRCh37 (hg19) VCF-style: chr2-179581824-T-C.
Other names: p.Q8229R:CAA>CGA; c.24686A>G, p.Gln8229Arg (NM_001256850.1); c.21905A>G, p.Gln7302Arg (NM_133378.4); c.13282+20985A>G (NM_003319.4); c.13858+20985A>G (NM_133437.4); c.13657+20985A>G (NM_133432.3); short protein forms Q8229R, Q8546R, Q7302R.
Identifiers: ClinVar variation 203338 (VCV000203338.17), dbSNP rs548471822, ClinGen allele CA312082.

ClinVar aggregate classification (germline): Conflicting classifications of pathogenicity. Review status: criteria provided, conflicting classifications (1 of 4 stars). 5 submissions from 5 submitters: Uncertain significance (1); Likely benign (4). Last evaluated 2025-12-16.

Conditions:
TTN-related disorder. Also called: TTN-related condition; TTN-related disease; TTN-related disorders.
Dilated cardiomyopathy 1G (CMD1G). Identifiers: Orphanet 154, MedGen C1858763, MONDO:0011400, OMIM 604145.
Autosomal recessive limb-girdle muscular dystrophy type 2J (LGMDR10). Also called: Limb-girdle muscular dystrophy, type 2J; MUSCULAR DYSTROPHY, LIMB-GIRDLE, AUTOSOMAL RECESSIVE 10. Identifiers: Orphanet 140922, MedGen C1837342, MONDO:0012127, OMIM 608807.

Allele frequency attached by ClinVar (database versions not stated): gnomAD exomes 0.00004; gnomAD 0.00008; TOPMed 0.00011.
gnomAD v4.1: 70 of 1,609,828 alleles (0.0043%); highest among the groups gnomAD compares: East Asian, 0.085%; no homozygotes.

Submissions (5):

Labcorp Genetics (formerly Invitae), Labcorp
Classification: Likely benign for Dilated cardiomyopathy 1G; Autosomal recessive limb-girdle muscular dystrophy type 2J. Last evaluated: 2025-12-16. Review status: criteria provided, single submitter. Criteria: Invitae Variant Classification Sherloc (09022015). Collection method: clinical testing. Allele origin: germline.

PreventionGenetics, part of Exact Sciences
Classification: Likely benign for TTN-related condition. Last evaluated: 2025-05-02. Review status: criteria provided, single submitter. Criteria: ACMG Guidelines, 2015. Collection method: clinical testing. Allele origin: germline.
Comment: This variant is classified as likely benign based on ACMG/AMP sequence variant interpretation guidelines (Richards et al. 2015 PMID: 25741868, with internal and published modifications).

Women's Health and Genetics/Laboratory Corporation of America, LabCorp
Classification: Likely benign. Last evaluated: 2021-10-18. Review status: criteria provided, single submitter. Criteria: LabCorp Variant Classification Summary - May 2015. Collection method: clinical testing. Allele origin: germline.
Comment: Variant summary: TTN c.21905A>G (p.Gln7302Arg) results in a conservative amino acid change located in the I-band region of the encoded protein sequence. Four of five in-silico tools predict a benign effect of the variant on protein function. 4/4 computational tools predict no significant impact on normal splicing. However, these predictions have yet to be confirmed by functional studies. The variant allele was found at a frequency of 0.00014 in 247040 control chromosomes, predominantly at a frequency of 0.0019 within the East Asian subpopulation in the gnomAD database. The observed variant frequency within East Asian control individuals in the gnomAD database is approximately 5-fold of the estimated maximal expected allele frequency for a pathogenic variant in TTN causing Dilated Cardiomyopathy phenotype (0.00039), strongly suggesting that the variant is a benign polymorphism found primarily in populations of East Asian origin. c.21905A>G has been reported in the literature in the index individual of a family affected with cardiac conduction disease. A different variant in LMNA gene (c.686T>C, I229T) was shown to co-segregate with disease in affected family members (Gao_2020). This report does not provide unequivocal conclusions about association of the variant with Dilated Cardiomyopathy. A co-occurrence with a pathogenic variant has been reported (MYBPC3 c.3624delC, p.Lys1209SerfsX28; Internal testing), providing supporting evidence for a benign role. To our knowledge, no experimental evidence demonstrating an impact on protein function has been reported. Two ClinVar submitters (evaluation after 2014) cite the variant as likely benign. Based on the evidence outlined above, the variant was classified as likely benign.

GeneDx
Classification: Likely benign. Last evaluated: 2021-05-03. Review status: criteria provided, single submitter. Criteria: GeneDx Variant Classification Process June 2021. Collection method: clinical testing. Allele origin: germline. Affected: yes.
Comment: Has not been previously published as pathogenic or benign to our knowledge

Revvity Omics, Revvity
Classification: Uncertain significance. Last evaluated: 2019-08-17. Review status: criteria provided, single submitter. Criteria: ACMG Guidelines, 2015. Collection method: clinical testing. Allele origin: germline.

Literature cited by the submitters: PubMed 32846814 (cited by Women's Health and Genetics/Laboratory Corporation of America, LabCorp).